The following is an entry in ClinVar:

ClinVar aggregate classification (germline): Conflicting classifications of pathogenicity. Review status: criteria provided, conflicting classifications (1 of 4 stars). 4 submissions from 4 submitters: Uncertain significance (3); Likely benign (1). Last evaluated 2026-01-11.

Conditions:
Congenital myotonia, autosomal dominant form (THD). Also called: THOMSEN DISEASE; Myotonia congenita autosomal dominant. Identifiers: Orphanet 614, MedGen C2936781, MONDO:0008055, OMIM 160800.
Congenital myotonia, autosomal recessive form. Also called: Becker Generalized Myotonia; myotonia congenita, autosomal recessive; BECKER DISEASE. Identifiers: Orphanet 614, MedGen C0751360, MONDO:0009715, OMIM 255700.
Inborn genetic diseases. Identifiers: MedGen C0950123, MeSH D030342.

Allele frequency attached by ClinVar (database versions not stated): ESP Exome Variant Server 0.00023; gnomAD 0.00030 and 0.00034; TOPMed 0.00032; gnomAD exomes 0.00002 and 0.00008; ExAC 0.00006; 1000 Genomes Project 30x 0.00016; 1000 Genomes Project 0.00020.
gnomAD v4.1: 79 of 1,613,914 alleles (0.0049%); highest among the groups gnomAD compares: African/African-American, 0.087%; no homozygotes.

Submissions (4):

Labcorp Genetics (formerly Invitae), Labcorp
Classification: Likely benign for Congenital myotonia, autosomal recessive form; Congenital myotonia, autosomal dominant form. Last evaluated: 2026-01-11. Review status: criteria provided, single submitter. Criteria: Invitae Variant Classification Sherloc (09022015). Collection method: clinical testing. Allele origin: germline.

Ambry Genetics
Classification: Uncertain significance for Inborn genetic diseases. Last evaluated: 2023-12-13. Review status: criteria provided, single submitter. Criteria: Ambry Variant Classification Scheme 2023. Collection method: clinical testing. Allele origin: germline.

GeneDx
Classification: Uncertain significance. Last evaluated: 2023-07-18. Review status: criteria provided, single submitter. Criteria: GeneDx Variant Classification Process June 2021. Collection method: clinical testing. Allele origin: germline. Affected: yes.
Comment: In silico analysis supports that this missense variant does not alter protein structure/function; Has not been previously published as pathogenic or benign to our knowledge

Revvity Omics, Revvity
Classification: Uncertain significance. Last evaluated: 2019-03-08. Review status: criteria provided, single submitter. Criteria: ACMG Guidelines, 2015. Collection method: clinical testing. Allele origin: germline.

NM_000083.3(CLCN1):c.2785A>T (p.Thr929Ser)

Gene: CLCN1 (chloride voltage-gated channel 1; plus strand). Cytogenetic location: 7q34.
Variant type: single nucleotide variant.
Coding change: c.2785A>T on transcript NM_000083.3 (MANE Select); coding-DNA position 2785, A replaced by T.
Protein change: p.Thr929Ser; replaces threonine 929 with serine.
Molecular consequence: missense variant. On other transcripts: non-coding transcript variant (1).
Genome position (GRCh38, 1-based): chr7:143,351,783, A>T. VCF-style: chr7-143351783-A-T. GRCh37 (hg19) VCF-style: chr7-143048876-A-T.
Other names: short protein forms T929S.
Identifiers: ClinVar variation 839274 (VCV000839274.13), dbSNP rs143075418, ClinGen allele CA4537785.